The following is an entry in ClinVar:

ClinVar aggregate classification (germline): Uncertain significance. Review status: criteria provided, multiple submitters, no conflicts (2 of 4 stars). 5 submissions from 5 submitters: Uncertain significance (3). 2 of the submissions do not count toward it. Last evaluated 2025-10-29.

Conditions:
USH2A-related disorder. Also called: USH2A-related disorders; USH2A-related condition. Identifiers: MedGen CN239332.
Inborn genetic diseases. Identifiers: MedGen C0950123, MeSH D030342.
Usher syndrome type 2A. Also called: RETINAL DISEASE IN USHER SYNDROME TYPE IIA, MODIFIER OF; USHER SYNDROME, TYPE IIA. Identifiers: Orphanet 231178, Orphanet 886, MedGen C1848634, MONDO:0010169, OMIM 276901.

Allele frequency attached by ClinVar (database versions not stated): TOPMed below 0.00001; gnomAD 0.00001 and 0.00002; gnomAD exomes 0.00002 and 0.00004; ExAC 0.00006; ESP Exome Variant Server 0.00008.
gnomAD v4.1: 28 of 1,613,988 alleles (0.0017%); highest among the groups gnomAD compares: South Asian, 0.024%; no homozygotes.

Submissions (5):

Ambry Genetics
Classification: Uncertain significance for Inborn genetic diseases. Last evaluated: 2025-10-29. Review status: criteria provided, single submitter. Criteria: Ambry Variant Classification Scheme 2023. Collection method: clinical testing. Allele origin: germline.

Labcorp Genetics (formerly Invitae), Labcorp
Classification: Uncertain significance. Last evaluated: 2022-02-23. Review status: criteria provided, single submitter. Criteria: Invitae Variant Classification Sherloc (09022015). Collection method: clinical testing. Allele origin: germline.
Comment: This sequence change replaces leucine, which is neutral and non-polar, with phenylalanine, which is neutral and non-polar, at codon 2576 of the USH2A protein (p.Leu2576Phe). This variant is present in population databases (rs151037142, gnomAD 0.03%). This variant has not been reported in the literature in individuals affected with USH2A-related conditions. ClinVar contains an entry for this variant (Variation ID: 1059568). Algorithms developed to predict the effect of missense changes on protein structure and function output the following: SIFT: "Tolerated"; PolyPhen-2: "Benign"; Align-GVGD: "Class C0". The phenylalanine amino acid residue is found in multiple mammalian species, which suggests that this missense change does not adversely affect protein function. In summary, the available evidence is currently insufficient to determine the role of this variant in disease. Therefore, it has been classified as a Variant of Uncertain Significance.

Blueprint Genetics
Classification: Uncertain significance. Last evaluated: 2021-09-22. Review status: criteria provided, single submitter. Criteria: ACMG Guidelines, 2015. Collection method: clinical testing. Allele origin: germline.

PreventionGenetics, part of Exact Sciences
Classification: Uncertain significance for USH2A-related condition. Last evaluated: 2023-11-09. Review status: no assertion criteria provided. Collection method: clinical testing. Allele origin: germline. Not counted in ClinVar's aggregate classification.
Comment: The USH2A c.7728G>C variant is predicted to result in the amino acid substitution p.Leu2576Phe. To our knowledge, this variant has not been reported in the literature. This variant is reported in 0.029% of alleles in individuals of South Asian descent in gnomAD. At this time, the clinical significance of this variant is uncertain due to the absence of conclusive functional and genetic evidence.

Natera, Inc.
Classification: Uncertain significance for Usher syndrome type 2A. Last evaluated: 2021-06-17. Review status: no assertion criteria provided. Collection method: clinical testing. Allele origin: germline. Not counted in ClinVar's aggregate classification.

NM_206933.4(USH2A):c.7728G>C (p.Leu2576Phe)

Gene: USH2A (usherin; minus strand). Cytogenetic location: 1q41.
Variant type: single nucleotide variant.
Coding change: c.7728G>C on transcript NM_206933.4 (MANE Select); coding-DNA position 7728, G replaced by C.
Protein change: p.Leu2576Phe; replaces leucine 2576 with phenylalanine.
Molecular consequence: missense variant.
Genome position (GRCh38, 1-based): chr1:215,888,921, C>G on the plus strand (G>C on the coding strand, the complement: USH2A is on the minus strand). VCF-style: chr1-215888921-C-G. GRCh37 (hg19) VCF-style: chr1-216062263-C-G.
Other names: c.7728G>C (NM_206933.2); short protein forms L2576F.
Identifiers: ClinVar variation 1059568 (VCV001059568.11), dbSNP rs151037142, ClinGen allele CA1394754.